The following is an entry in ClinVar:

ClinVar aggregate classification (germline): Uncertain significance (1 of 4 stars; one submission).

Submission:

Labcorp Genetics (formerly Invitae), Labcorp
Classification: Uncertain significance. Last evaluated: 2022-01-28. Review status: criteria provided, single submitter. Criteria: Invitae Variant Classification Sherloc (09022015). Collection method: clinical testing. Allele origin: germline.
Comment: In summary, the available evidence is currently insufficient to determine the role of this variant in disease. Therefore, it has been classified as a Variant of Uncertain Significance. Algorithms developed to predict the effect of missense changes on protein structure and function are either unavailable or do not agree on the potential impact of this missense change (SIFT: "Tolerated"; PolyPhen-2: "Not Available"; Align-GVGD: "Class C0"). This variant has not been reported in the literature in individuals affected with KMT2B-related conditions. This variant is not present in population databases (gnomAD no frequency). This sequence change replaces phenylalanine, which is neutral and non-polar, with tyrosine, which is neutral and polar, at codon 1860 of the KMT2B protein (p.Phe1860Tyr).

NM_014727.3(KMT2B):c.5579T>A (p.Phe1860Tyr)

Gene: KMT2B (lysine methyltransferase 2B; plus strand). Cytogenetic location: 19q13.12.
Variant type: single nucleotide variant.
Coding change: c.5579T>A on transcript NM_014727.3 (MANE Select); coding-DNA position 5579, T replaced by A.
Protein change: p.Phe1860Tyr; replaces phenylalanine 1860 with tyrosine.
Molecular consequence: missense variant.
Genome position (GRCh38, 1-based): chr19:35,732,049, T>A. VCF-style: chr19-35732049-T-A. GRCh37 (hg19) VCF-style: chr19-36222950-T-A.
Other names: short protein forms F1860Y.
Identifiers: ClinVar variation 2090728 (VCV002090728.4), dbSNP rs2513349290, ClinGen allele CA405422319.